The following is an entry in ClinVar:

NM_001378452.1(ITPR1):c.839C>T (p.Ala280Val)

Gene: ITPR1 (inositol 1,4,5-trisphosphate receptor type 1; plus strand). Cytogenetic location: 3p26.1.
Variant type: single nucleotide variant.
Coding change: c.839C>T on transcript NM_001378452.1 (MANE Select); coding-DNA position 839, C replaced by T.
Protein change: p.Ala280Val; replaces alanine 280 with valine.
Molecular consequence: missense variant.
Genome position (GRCh38, 1-based): chr3:4,645,712, C>T. VCF-style: chr3-4645712-C-T. GRCh37 (hg19) VCF-style: chr3-4687396-C-T.
Other names: c.839C>T, p.Ala280Val (NM_001099952.4, NM_001168272.2, NM_002222.7); short protein forms A280V.
Identifiers: ClinVar variation 2578105 (VCV002578105.1), dbSNP rs2470620160, ClinGen allele CA351636935.
Genomic context (GRCh38, chr3:4,645,712, plus strand): 5'-AGCACGTCTTCCTGAGAACCACGGGCCGGCAGTCGGCCACATCTGCCACCAGTTCAAAAG[C>T]CCTGTGGGAGGTGGAGGTAAGGGTAGGGTGGAGAAAGGGCTCCTGGGTTTAGAGGATATC-3'
Protein context (NP_001365381.1, residues 270-290): QSATSATSSK[Ala280Val]LWEVEVVQHD

ClinVar aggregate classification (germline): Uncertain significance (1 of 4 stars; one submission).

Submission:

GeneDx
Classification: Uncertain significance. Last evaluated: 2023-03-03. Review status: criteria provided, single submitter. Criteria: GeneDx Variant Classification Process June 2021. Collection method: clinical testing. Allele origin: germline. Affected: yes.
Comment: Not observed at significant frequency in large population cohorts (gnomAD); In silico analysis supports that this missense variant has a deleterious effect on protein structure/function; Has not been previously published as pathogenic or benign to our knowledge